The following is an entry in ClinVar:

NM_000203.5(IDUA):c.157del (p.Cys53fs)

Genes: IDUA (alpha-L-iduronidase; plus strand), SLC26A1 (solute carrier family 26 member 1; minus strand). Cytogenetic location: 4p16.3.
Variant type: Deletion.
Coding change: c.157del on transcript NM_000203.5 (MANE Select); coding-DNA position 157, one base deleted (T; older notation c.157delT).
Protein change: p.Cys53fs; shifts the reading frame from cysteine 53.
Molecular consequence: frameshift variant. On other transcripts: non-coding transcript variant (1), intron variant (1).
Genome position (GRCh38, 1-based): chr4:987,241, T deleted. VCF-style (leftmost placement, unchanged base first): chr4-987240-CT-C. GRCh37 (hg19) VCF-style: chr4-981028-CT-C.
Other names: c.576+3887del (NM_134425.4); short protein forms C53fs.
Identifiers: ClinVar variation 4069685 (VCV004069685.1).

ClinVar aggregate classification (germline): Likely pathogenic (1 of 4 stars; one submission).

Conditions:
Mucopolysaccharidosis type 1. Also called: Mucopolysaccharidosis Type I; IDUA deficiency; MPS I. Identifiers: Orphanet 579, MedGen C0023786, MONDO:0001586.

Submission:

Natera, Inc.
Classification: Likely pathogenic for Mucopolysaccharidosis type I. Last evaluated: 2025-01-31. Review status: criteria provided, single submitter. Criteria: Natera Variant Classification Schema (03/2026). Collection method: clinical testing. Allele origin: germline.
Comment: The c.157del variant in IDUA is a frameshift variant predicted to shift the reading frame beginning at codon 53 and leads to a stop codon 55 codons downstream. This variant is expected to result in nonsense mediated decay, truncation, or a dysfunctional protein product. This variant is rare in the general population with a frequency below the threshold expected for the associated phenotype(s). Given the available evidence, this variant is classified as Likely Pathogenic.